The following is an entry in ClinVar:

NM_001101.5(ACTB):c.848T>C (p.Met283Thr)

Gene: ACTB (actin beta; minus strand). Cytogenetic location: 7p22.1.
Variant type: single nucleotide variant.
Coding change: c.848T>C on transcript NM_001101.5 (MANE Select); coding-DNA position 848, T replaced by C.
Protein change: p.Met283Thr; replaces methionine 283 with threonine.
Molecular consequence: missense variant.
Genome position (GRCh38, 1-based): chr7:5,528,140, A>G on the plus strand (T>C on the coding strand, the complement: ACTB is on the minus strand). VCF-style: chr7-5528140-A-G. GRCh37 (hg19) VCF-style: chr7-5567771-A-G.
Other names: short protein forms M283T.
Identifiers: ClinVar variation 3392494 (VCV003392494.2).

ClinVar aggregate classification (germline): Uncertain significance (1 of 4 stars; one submission).

Conditions:
Becker nevus syndrome (BNS). Identifiers: Orphanet 64755, MedGen C1858042, MONDO:0011500, OMIM 604919.
Developmental malformations-deafness-dystonia syndrome (DDS1). Identifiers: Orphanet 79107, MedGen C5848323, MONDO:0011823, OMIM 607371.
Congenital smooth muscle hamartoma, with or without hemihypertrophy (CSMH). Identifiers: MedGen C5882676, MONDO:0957564, OMIM 620470.
ACTB-associated syndromic thrombocytopenia (THC8). Also called: THROMBOCYTOPENIA 8, WITH DYSMORPHIC FEATURES AND DEVELOPMENTAL DELAY; THROMBOCYTOPENIA, AUTOSOMAL DOMINANT, 8. Identifiers: Orphanet 674653, MedGen C5882677, MONDO:0100433, OMIM 620475.
Baraitser-Winter syndrome 1 (BRWS1). Also called: PACHYGYRIA, MENTAL RETARDATION, EPILEPSY, AND CHARACTERISTIC FACIES; MENTAL RETARDATION WITH EPILEPSY AND CHARACTERISTIC FACIES; Cerebrofrontofacial syndrome; BARAITSER-WINTER SYNDROME 1, ATYPICAL. Identifiers: Orphanet 2649, Orphanet 2995, MedGen C1855722, MONDO:0009470, OMIM 243310.

Submission:

Juno Genomics, Hangzhou Juno Genomics, Inc
Classification: Uncertain significance for Developmental malformations-deafness-dystonia syndrome; ACTB-associated syndromic thrombocytopenia; Becker nevus syndrome; Congenital smooth muscle hamartoma, with or without hemihypertrophy; Baraitser-Winter syndrome 1. Review status: criteria provided, single submitter. Criteria: ACMG Guidelines, 2015. Collection method: clinical testing. Allele origin: germline. Affected: yes.
Comment: Absent from controls (or at extremely low frequency if recessive) in Genome Aggregation Database, Exome Sequencing Project, 1000 Genomes Project, or Exome Aggregation Consortium.;De novo (both maternity and paternity confirmed) in a patient with the disease and no family history.;Multiple lines of computational evidence support a deleterious effect on the gene or gene product (conservation, evolutionary, splicing impact, etc).;Missense variant in a gene that has a low rate of benign missense variation and where missense variants are a common mechanism of disease.